The following is an entry in ClinVar:

NM_130466.4(UBE3B):c.2926G>A (p.Val976Met)

Gene: UBE3B (ubiquitin protein ligase E3B; plus strand). Cytogenetic location: 12q24.11.
Variant type: single nucleotide variant.
Coding change: c.2926G>A on transcript NM_130466.4 (MANE Select); coding-DNA position 2926, G replaced by A.
Protein change: p.Val976Met; replaces valine 976 with methionine.
Molecular consequence: missense variant.
Genome position (GRCh38, 1-based): chr12:109,533,469, G>A. VCF-style: chr12-109533469-G-A. GRCh37 (hg19) VCF-style: chr12-109971274-G-A.
Other names: c.2926G>A, p.Val976Met (NM_183415.3); short protein forms V976M.
Identifiers: ClinVar variation 2040241 (VCV002040241.4), dbSNP rs746325229, ClinGen allele CA6778379.

ClinVar aggregate classification (germline): Uncertain significance (1 of 4 stars; one submission).

Allele frequency attached by ClinVar (database versions not stated): gnomAD 0.00001; ExAC 0.00001; gnomAD exomes 0.00001; TOPMed 0.00001.

Submission:

Labcorp Genetics (formerly Invitae), Labcorp
Classification: Uncertain significance. Last evaluated: 2022-06-18. Review status: criteria provided, single submitter. Criteria: Invitae Variant Classification Sherloc (09022015). Collection method: clinical testing. Allele origin: germline.
Comment: This sequence change replaces valine, which is neutral and non-polar, with methionine, which is neutral and non-polar, at codon 976 of the UBE3B protein (p.Val976Met). This variant is present in population databases (rs746325229, gnomAD 0.004%). This variant has not been reported in the literature in individuals affected with UBE3B-related conditions. Algorithms developed to predict the effect of missense changes on protein structure and function are either unavailable or do not agree on the potential impact of this missense change (SIFT: "Deleterious"; PolyPhen-2: "Probably Damaging"; Align-GVGD: "Class C0"). In summary, the available evidence is currently insufficient to determine the role of this variant in disease. Therefore, it has been classified as a Variant of Uncertain Significance.